The following is an entry in ClinVar:

NM_001256317.3(TMPRSS3):c.32C>A (p.Ala11Asp)

Gene: TMPRSS3 (transmembrane serine protease 3; minus strand). Cytogenetic location: 21q22.3.
Variant type: single nucleotide variant.
Coding change: c.32C>A on transcript NM_001256317.3 (MANE Select); coding-DNA position 32, C replaced by A.
Protein change: p.Ala11Asp; replaces alanine 11 with aspartic acid.
Molecular consequence: missense variant.
Genome position (GRCh38, 1-based): chr21:42,395,386, G>T on the plus strand (C>A on the coding strand, the complement: TMPRSS3 is on the minus strand). VCF-style: chr21-42395386-G-T. GRCh37 (hg19) VCF-style: chr21-43815495-G-T.
Other names: c.32C>A, p.Ala11Asp (NM_024022.4, NM_032405.2); short protein forms A11D.
Identifiers: ClinVar variation 2124174 (VCV002124174.2), dbSNP rs372629505, ClinGen allele CA10042781.

ClinVar aggregate classification (germline): Uncertain significance (1 of 4 stars; one submission).

Allele frequency attached by ClinVar (database versions not stated): ExAC 0.00002; TOPMed 0.00002; gnomAD 0.00001; ESP Exome Variant Server 0.00008.
gnomAD v4.1: 10 of 1,614,046 alleles (0.00062%); highest among the groups gnomAD compares: Non-Finnish European, 0.00085%; no homozygotes.

Submission:

Labcorp Genetics (formerly Invitae), Labcorp
Classification: Uncertain significance. Last evaluated: 2025-11-04. Review status: criteria provided, single submitter. Criteria: Invitae Variant Classification Sherloc (09022015). Collection method: clinical testing. Allele origin: germline.
Comment: This sequence change replaces alanine, which is neutral and non-polar, with aspartic acid, which is acidic and polar, at codon 11 of the TMPRSS3 protein (p.Ala11Asp). This variant is present in population databases (rs372629505, gnomAD 0.004%). This variant has not been reported in the literature in individuals affected with TMPRSS3-related conditions. ClinVar contains an entry for this variant (Variation ID: 2124174). Invitae Evidence Modeling of protein sequence and biophysical properties (such as structural, functional, and spatial information, amino acid conservation, physicochemical variation, residue mobility, and thermodynamic stability) indicates that this missense variant is not expected to disrupt TMPRSS3 protein function with a negative predictive value of 95%. In summary, the available evidence is currently insufficient to determine the role of this variant in disease. Therefore, it has been classified as a Variant of Uncertain Significance.